The following is an entry in ClinVar:

NM_000038.6(APC):c.8265T>C (p.Ser2755=)

Gene: APC (APC regulator of Wnt signaling pathway; plus strand). Cytogenetic location: 5q22.2.
Variant type: single nucleotide variant.
Coding change: c.8265T>C on transcript NM_000038.6 (MANE Select); coding-DNA position 8265, T replaced by C.
Protein change: p.Ser2755=; no amino-acid change (serine 2755 retained).
Molecular consequence: synonymous variant.
Genome position (GRCh38, 1-based): chr5:112,843,859, T>C. VCF-style: chr5-112843859-T-C. GRCh37 (hg19) VCF-style: chr5-112179556-T-C.
Other names: c.8265T>C, p.Ser2755= (NM_001127510.3, NM_001354895.2); c.8211T>C, p.Ser2737= (NM_001127511.3); c.8319T>C, p.Ser2773= (NM_001354896.2); c.8295T>C, p.Ser2765= (NM_001354897.2); c.8190T>C, p.Ser2730= (NM_001354898.2); c.8181T>C, p.Ser2727= (NM_001354899.2); c.8142T>C, p.Ser2714= (NM_001354900.2); c.8088T>C, p.Ser2696= (NM_001354901.2); and 5 more.
Identifiers: ClinVar variation 219391 (VCV000219391.16), dbSNP rs756633556, ClinGen allele CA350102.

ClinVar aggregate classification (germline): Benign/Likely benign. Review status: criteria provided, multiple submitters, no conflicts (2 of 4 stars). 3 submissions from 3 submitters: Benign (1); Likely benign (2). Last evaluated 2025-10-23.

Conditions:
Hereditary cancer-predisposing syndrome. Also called: Hereditary neoplastic syndrome; Tumor predisposition; Hereditary Cancer Syndrome; Neoplastic Syndromes, Hereditary. Identifiers: Orphanet 140162, MedGen C0027672, MeSH D009386, MONDO:0015356.
Familial adenomatous polyposis 1 (FAP1). Also called: FAMILIAL ADENOMATOUS POLYPOSIS 1, ATTENUATED; POLYPOSIS, ADENOMATOUS INTESTINAL. Identifiers: MedGen C2713442, MONDO:0021056, OMIM 175100. Disease mechanism: loss of function.

Submissions (3):

Labcorp Genetics (formerly Invitae), Labcorp
Classification: Likely benign for Familial adenomatous polyposis 1. Last evaluated: 2025-10-23. Review status: criteria provided, single submitter. Criteria: Invitae Variant Classification Sherloc (09022015). Collection method: clinical testing. Allele origin: germline.

Myriad Genetics, Inc.
Classification: Benign for Familial adenomatous polyposis 1. Last evaluated: 2024-04-15. Review status: criteria provided, single submitter. Criteria: Myriad Autosomal Dominant, Autosomal Recessive and X-Linked Classification Criteria (2023). Collection method: clinical testing. Allele origin: unknown.
Comment: This variant is considered benign. This variant is a silent/synonymous amino acid change and it is not expected to impact splicing.

Ambry Genetics
Classification: Likely benign for Hereditary cancer-predisposing syndrome. Last evaluated: 2019-07-10. Review status: criteria provided, single submitter. Criteria: Ambry Variant Classification Scheme 2023. Collection method: clinical testing. Allele origin: germline.